The following is an entry in ClinVar:

ClinVar aggregate classification (germline): Pathogenic. Review status: criteria provided, multiple submitters, no conflicts (2 of 4 stars). 3 submissions from 3 submitters: Pathogenic (2). 1 of the submissions does not count toward it. Last evaluated 2025-05-31.

Conditions:
CEP290-related ciliopathy. Also called: CEP290 ciliopathy. Identifiers: MedGen CN305601, MONDO:0100451.
Meckel-Gruber syndrome. Also called: Dysencephalia splachnocystica; DYSENCEPHALIA SPLANCHNOCYSTICA; GRUBER SYNDROME. Identifiers: Orphanet 564, MedGen C0265215, MONDO:0018921.
Joubert syndrome. Also called: Familial aplasia of the vermis; JOUBERT-BOLTSHAUSER SYNDROME. Identifiers: Orphanet 475, MedGen C5979921, MONDO:0018772.
Nephronophthisis. Also called: Juvenile Nephronophthisis. Identifiers: Orphanet 655, MedGen C0687120, MONDO:0019005, HP:0000090.

Submissions (3):

Myriad Genetics, Inc.
Classification: Pathogenic for CEP290-related ciliopathy. Last evaluated: 2025-05-31. Review status: criteria provided, single submitter. Criteria: Myriad Autosomal Dominant, Autosomal Recessive and X-Linked Classification Criteria (2023). Collection method: clinical testing. Allele origin: unknown.
Comment: NM_025114.3(CEP290):c.1858G>T(E620*) is expected to be pathogenic in the context of CEP290-related disorders. This variant is predicted to lead to an abnormal or absent protein product due to the creation of a premature termination codon in CEP290, a gene where loss-of-function variants are known to be pathogenic. Please note: this variant was assessed in the context of healthy population screening.

Labcorp Genetics (formerly Invitae), Labcorp
Classification: Pathogenic for Joubert syndrome; Meckel-Gruber syndrome; Nephronophthisis. Last evaluated: 2019-09-15. Review status: criteria provided, single submitter. Criteria: Invitae Variant Classification Sherloc (09022015). Collection method: clinical testing. Allele origin: germline.
Comment: For these reasons, this variant has been classified as Pathogenic. Loss-of-function variants in CEP290 are known to be pathogenic (PMID: 16909394, 17345604, 20690115, 25377065, 28559085). This variant has not been reported in the literature in individuals with CEP290-related conditions. ClinVar contains an entry for this variant (Variation ID: 591805). This variant is not present in population databases (ExAC no frequency). This sequence change creates a premature translational stop signal (p.Glu620*) in the CEP290 gene. It is expected to result in an absent or disrupted protein product.

Gharavi Laboratory, Columbia University
Classification: Uncertain significance. Last evaluated: 2018-09-16. Review status: no assertion criteria provided. Criteria: ACMG Guidelines, 2015. Collection method: research. Allele origin: germline. Affected: yes. Not counted in ClinVar's aggregate classification.

Literature cited by the submitters: PubMed 16909394 (cited by Labcorp Genetics (formerly Invitae), Labcorp); PubMed 17345604 (cited by Labcorp Genetics (formerly Invitae), Labcorp); PubMed 20690115 (cited by Labcorp Genetics (formerly Invitae), Labcorp); PubMed 25377065 (cited by Labcorp Genetics (formerly Invitae), Labcorp); PubMed 28559085 (cited by Labcorp Genetics (formerly Invitae), Labcorp).

NM_025114.4(CEP290):c.1858G>T (p.Glu620Ter)

Gene: CEP290 (centrosomal protein 290; minus strand). Cytogenetic location: 12q21.32.
Variant type: single nucleotide variant.
Coding change: c.1858G>T on transcript NM_025114.4 (MANE Select); coding-DNA position 1858, G replaced by T.
Protein change: p.Glu620Ter; replaces glutamic acid 620 with a stop codon.
Molecular consequence: nonsense.
Genome position (GRCh38, 1-based): chr12:88,115,149, C>A on the plus strand (G>T on the coding strand, the complement: CEP290 is on the minus strand). VCF-style: chr12-88115149-C-A. GRCh37 (hg19) VCF-style: chr12-88508926-C-A.
Other names: short protein forms E620*.
Identifiers: ClinVar variation 591805 (VCV000591805.10), dbSNP rs1203763812, ClinGen allele CA385977222.
Genomic context (GRCh38, chr12:88,115,149, plus strand): 5'-GTAACTTACATTTATTCTGAAATTTGGCTATCACTGTCCTACTCCTTTCTAAATCTCTTT[C>A]TTTTTCAATTAGTTCTCTTGAAAGAAATTCATTCTGAAAAAAGCAGAGAGAATAAAATTG-3'